The following is an entry in ClinVar:

NM_001378969.1(KCND3):c.33del (p.Phe11fs)

Gene: KCND3 (potassium voltage-gated channel subfamily D member 3; minus strand). Cytogenetic location: 1p13.2.
Variant type: Deletion.
Coding change: c.33del on transcript NM_001378969.1 (MANE Select); coding-DNA position 33, one base deleted (T; older notation c.33delT).
Protein change: p.Phe11fs; shifts the reading frame from phenylalanine 11.
Molecular consequence: frameshift variant.
Genome position (GRCh38, 1-based): chr1:111,982,694, A deleted on the plus strand (T on the coding strand, the reverse complement: KCND3 is on the minus strand); the first of 4 consecutive A bases (chr1:111,982,694-111,982,697); deleting any one gives the same sequence. VCF-style (leftmost placement, unchanged base first): chr1-111982693-CA-C. GRCh37 (hg19) VCF-style: chr1-112525315-CA-C.
Other names: c.33del, p.Phe11fs (NM_004980.5, NM_172198.3, NM_001378970.1); short protein forms F11fs.
Identifiers: ClinVar variation 3630903 (VCV003630903.2).

ClinVar aggregate classification (germline): Uncertain significance (1 of 4 stars; one submission).

Conditions:
Spinocerebellar ataxia type 19/22 (SCA19). Also called: SPINOCEREBELLAR ATAXIA 19; SPINOCEREBELLAR ATAXIA 22. Identifiers: Orphanet 98772, MedGen C1846367, MONDO:0011819, OMIM 607346.

Submission:

Labcorp Genetics (formerly Invitae), Labcorp
Classification: Uncertain significance for Spinocerebellar ataxia type 19/22. Last evaluated: 2024-07-30. Review status: criteria provided, single submitter. Criteria: Invitae Variant Classification Sherloc (09022015). Collection method: clinical testing. Allele origin: germline.
Comment: This sequence change creates a premature translational stop signal (p.Phe11Leufs*31) in the KCND3 gene. It is expected to result in an absent or disrupted protein product. However, the current clinical and genetic evidence is not sufficient to establish whether loss-of-function variants in KCND3 cause disease. This variant is not present in population databases (gnomAD no frequency). This variant has not been reported in the literature in individuals affected with KCND3-related conditions. In summary, the available evidence is currently insufficient to determine the role of this variant in disease. Therefore, it has been classified as a Variant of Uncertain Significance.